The following is an entry in ClinVar:

ClinVar aggregate classification (germline): Pathogenic/Likely pathogenic. Review status: criteria provided, multiple submitters, no conflicts (2 of 4 stars). 2 submissions from 2 submitters: Pathogenic (1); Likely pathogenic (1). Last evaluated 2023-06-20.

Submissions (2):

Labcorp Genetics (formerly Invitae), Labcorp
Classification: Pathogenic. Last evaluated: 2023-06-20. Review status: criteria provided, single submitter. Criteria: Invitae Variant Classification Sherloc (09022015). Collection method: clinical testing. Allele origin: germline.
Comment: This sequence change creates a premature translational stop signal (p.Glu361Thrfs*6) in the GPSM2 gene. It is expected to result in an absent or disrupted protein product. Loss-of-function variants in GPSM2 are known to be pathogenic (PMID: 22578326, 22987632). This variant is not present in population databases (gnomAD no frequency). This variant has not been reported in the literature in individuals affected with GPSM2-related conditions. ClinVar contains an entry for this variant (Variation ID: 1695437). For these reasons, this variant has been classified as Pathogenic.

GeneDx
Classification: Likely pathogenic. Last evaluated: 2022-07-08. Review status: criteria provided, single submitter. Criteria: GeneDx Variant Classification Process June 2021. Collection method: clinical testing. Allele origin: germline. Affected: yes.
Comment: Frameshift variant predicted to result in protein truncation or nonsense mediated decay in a gene for which loss-of-function is a known mechanism of disease; Not observed in large population cohorts (gnomAD); Has not been previously published as pathogenic or benign to our knowledge

Literature cited by the submitters: PubMed 22578326 (cited by Labcorp Genetics (formerly Invitae), Labcorp); PubMed 22987632 (cited by Labcorp Genetics (formerly Invitae), Labcorp).

NM_013296.5(GPSM2):c.1080_1081del (p.Glu361fs)

Gene: GPSM2 (G protein signaling modulator 2; plus strand). Cytogenetic location: 1p13.3.
Variant type: Deletion.
Coding change: c.1080_1081del on transcript NM_013296.5 (MANE Select); coding-DNA positions 1080 to 1081, 2 bases deleted (TG; older notation c.1080_1081delTG).
Protein change: p.Glu361fs; shifts the reading frame from glutamic acid 361.
Molecular consequence: frameshift variant.
Genome position (GRCh38, 1-based): chr1:108,904,142-108,904,143, TG deleted; deleting any 2 consecutive bases within chr1:108,904,141-108,904,143 gives the same sequence; the c. name uses the placement nearest the transcript's 3' end. VCF-style (leftmost placement, unchanged base first): chr1-108904140-GGT-G. GRCh37 (hg19) VCF-style: chr1-109446762-GGT-G.
Other names: c.1080_1081del, p.Glu361fs (NM_001321038.2, NM_001321039.3); short protein forms E361fs.
Identifiers: ClinVar variation 1695437 (VCV001695437.5), dbSNP rs1353848256, ClinGen allele CA885294328.